The following is an entry in ClinVar:

ClinVar aggregate classification (germline): Uncertain significance (1 of 4 stars; one submission).

Submission:

Labcorp Genetics (formerly Invitae), Labcorp
Classification: Uncertain significance. Last evaluated: 2023-03-08. Review status: criteria provided, single submitter. Criteria: Invitae Variant Classification Sherloc (09022015). Collection method: clinical testing. Allele origin: germline.
Comment: An algorithm developed to predict the effect of missense changes on protein structure and function (PolyPhen-2) suggests that this variant is likely to be tolerated. In summary, the available evidence is currently insufficient to determine the role of this variant in disease. Therefore, it has been classified as a Variant of Uncertain Significance. This sequence change replaces methionine, which is neutral and non-polar, with valine, which is neutral and non-polar, at codon 76 of the RPL19 protein (p.Met76Val). This variant is not present in population databases (gnomAD no frequency). This variant has not been reported in the literature in individuals affected with RPL19-related conditions.

NM_000981.4(RPL19):c.226A>G (p.Met76Val)

Gene: RPL19 (ribosomal protein L19; plus strand). Cytogenetic location: 17q12.
Variant type: single nucleotide variant.
Coding change: c.226A>G on transcript NM_000981.4 (MANE Select); coding-DNA position 226, A replaced by G.
Protein change: p.Met76Val; replaces methionine 76 with valine.
Molecular consequence: missense variant.
Genome position (GRCh38, 1-based): chr17:39,202,430, A>G. VCF-style: chr17-39202430-A-G. GRCh37 (hg19) VCF-style: chr17-37358683-A-G.
Other names: c.220A>G, p.Met74Val (NM_001330200.1); short protein forms M74V, M76V.
Identifiers: ClinVar variation 3007985 (VCV003007985.3), dbSNP rs2509310905, ClinGen allele CA398835619.